The following is an entry in ClinVar:

ClinVar aggregate classification (germline): Benign/Likely benign. Review status: criteria provided, multiple submitters, no conflicts (2 of 4 stars). 4 submissions from 4 submitters: Benign (2); Likely benign (2). Last evaluated 2026-04-01.

Allele frequency attached by ClinVar (database versions not stated): 1000 Genomes Project 0.00120; 1000 Genomes Project 30x 0.00141; gnomAD 0.00203 and 0.00205; TOPMed 0.00207; ESP Exome Variant Server 0.00208; gnomAD exomes 0.00222 and 0.00321; ExAC 0.00228.
gnomAD v4.1: 4,949 of 1,614,052 alleles (0.31%); highest among the groups gnomAD compares: Non-Finnish European, 0.37%; 11 homozygotes.

Submissions (4):

CeGaT Center for Human Genetics Tuebingen
Classification: Likely benign. Last evaluated: 2026-04-01. Review status: criteria provided, single submitter. Criteria: CeGaT Center For Human Genetics Tuebingen Variant Classification Criteria Version 2. Collection method: clinical testing. Allele origin: germline. Affected: yes. Observed: 3 variant alleles.
Comment: CORIN: BP4, BP7

Blueprint Genetics
Classification: Likely benign. Last evaluated: 2024-11-22. Review status: criteria provided, single submitter. Criteria: ACMG Guidelines, 2015. Collection method: clinical testing. Allele origin: germline.

Labcorp Genetics (formerly Invitae), Labcorp
Classification: Benign. Last evaluated: 2019-12-31. Review status: criteria provided, single submitter. Criteria: Invitae Variant Classification Sherloc (09022015). Collection method: clinical testing. Allele origin: germline.

Breakthrough Genomics
Classification: Benign. Review status: criteria provided, single submitter. Criteria: ACMG Guidelines, 2015. Collection method: not provided. Allele origin: germline. Inheritance: Unknown mechanism. Affected: yes.

NM_006587.4(CORIN):c.1188G>A (p.Thr396=)

Gene: CORIN (corin, serine peptidase; minus strand). Cytogenetic location: 4p12.
Variant type: single nucleotide variant.
Coding change: c.1188G>A on transcript NM_006587.4 (MANE Select); coding-DNA position 1188, G replaced by A.
Protein change: p.Thr396=; no amino-acid change (threonine 396 retained).
Molecular consequence: synonymous variant.
Genome position (GRCh38, 1-based): chr4:47,677,999, C>T on the plus strand (G>A on the coding strand, the complement: CORIN is on the minus strand). VCF-style: chr4-47677999-C-T. GRCh37 (hg19) VCF-style: chr4-47680016-C-T.
Other names: c.876G>A, p.Thr292= (NM_001278585.2); c.1077G>A, p.Thr359= (NM_001278586.2).
Identifiers: ClinVar variation 778859 (VCV000778859.30), dbSNP rs61760501, ClinGen allele CA2909764.